The following is an entry in ClinVar:

ClinVar aggregate classification (germline): Conflicting classifications of pathogenicity. Review status: criteria provided, conflicting classifications (1 of 4 stars). 5 submissions from 5 submitters: Uncertain significance (4); Likely benign (1). Last evaluated 2026-01-27.

Conditions:
Hereditary cancer-predisposing syndrome. Also called: Neoplastic Syndromes, Hereditary; Tumor predisposition; Hereditary neoplastic syndrome; Hereditary Cancer Syndrome. Identifiers: Orphanet 140162, MedGen C0027672, MeSH D009386, MONDO:0015356.
BAP1-related tumor predisposition syndrome (TPDS1). Also called: Tumor susceptibility linked to germline BAP1 mutations; BAP1 tumor predisposition syndrome; TUMOR PREDISPOSITION SYNDROME 1; COMMON Syndrome. Identifiers: Orphanet 289539, MedGen C3280492, MONDO:0013692, OMIM 614327.

Allele frequency attached by ClinVar (database versions not stated): gnomAD 0.00001; gnomAD exomes 0.00001 and 0.00002; TOPMed 0.00001.
gnomAD v4.1: 8 of 1,613,548 alleles (0.0005%); highest among the groups gnomAD compares: Admixed American, 0.0083%; no homozygotes.

Submissions (5):

Labcorp Genetics (formerly Invitae), Labcorp
Classification: Uncertain significance for BAP1-related tumor predisposition syndrome. Last evaluated: 2026-01-27. Review status: criteria provided, single submitter. Criteria: Invitae Variant Classification Sherloc (09022015). Collection method: clinical testing. Allele origin: germline.
Comment: This sequence change replaces alanine, which is neutral and non-polar, with valine, which is neutral and non-polar, at codon 316 of the BAP1 protein (p.Ala316Val). This variant is present in population databases (no rsID available, gnomAD 0.01%). This variant has not been reported in the literature in individuals affected with BAP1-related conditions. ClinVar contains an entry for this variant (Variation ID: 628708). Invitae Evidence Modeling of protein sequence and biophysical properties (such as structural, functional, and spatial information, amino acid conservation, physicochemical variation, residue mobility, and thermodynamic stability) indicates that this missense variant is not expected to disrupt BAP1 protein function with a negative predictive value of 80%. In summary, the available evidence is currently insufficient to determine the role of this variant in disease. Therefore, it has been classified as a Variant of Uncertain Significance.

GeneDx
Classification: Uncertain significance. Last evaluated: 2023-02-03. Review status: criteria provided, single submitter. Criteria: GeneDx Variant Classification Process June 2021. Collection method: clinical testing. Allele origin: germline. Affected: yes.
Comment: Not observed at significant frequency in large population cohorts (gnomAD); In silico analysis supports that this missense variant does not alter protein structure/function; Has not been previously published as pathogenic or benign to our knowledge

Color Diagnostics, LLC DBA Color Health
Classification: Uncertain significance for Hereditary cancer-predisposing syndrome. Last evaluated: 2020-08-19. Review status: criteria provided, single submitter. Criteria: ACMG Guidelines, 2015. Collection method: clinical testing. Allele origin: germline.
Comment: This missense variant replaces alanine with valine at codon 316 of the BAP1 protein. Computational prediction suggests that this variant may not impact protein structure and function (internally defined REVEL score threshold <= 0.5, PMID: 27666373). To our knowledge, functional studies have not been reported for this variant. This variant has not been reported in individuals affected with hereditary cancer in the literature. This variant has been identified in 5/251254 chromosomes in the general population by the Genome Aggregation Database (gnomAD). The available evidence is insufficient to determine the role of this variant in disease conclusively. Therefore, this variant is classified as a Variant of Uncertain Significance.

Ambry Genetics
Classification: Likely benign for Hereditary cancer-predisposing syndrome. Last evaluated: 2019-06-26. Review status: criteria provided, single submitter. Criteria: Ambry Variant Classification Scheme 2023. Collection method: clinical testing. Allele origin: germline.

Illumina Laboratory Services, Illumina
Classification: Uncertain significance for BAP1-related tumor predisposition syndrome. Last evaluated: 2018-01-15. Review status: criteria provided, single submitter. Criteria: ICSL Variant Classification Criteria 13 December 2019. Collection method: clinical testing. Allele origin: germline.

NM_004656.4(BAP1):c.947C>T (p.Ala316Val)

Gene: BAP1 (BRCA1 associated deubiquitinase 1; minus strand). Cytogenetic location: 3p21.1.
Variant type: single nucleotide variant.
Coding change: c.947C>T on transcript NM_004656.4 (MANE Select); coding-DNA position 947, C replaced by T.
Protein change: p.Ala316Val; replaces alanine 316 with valine.
Molecular consequence: missense variant.
Genome position (GRCh38, 1-based): chr3:52,405,279, G>A on the plus strand (C>T on the coding strand, the complement: BAP1 is on the minus strand). VCF-style: chr3-52405279-G-A. GRCh37 (hg19) VCF-style: chr3-52439295-G-A.
Other names: short protein forms A316V.
Identifiers: ClinVar variation 628708 (VCV000628708.25), dbSNP rs1365625070, ClinGen allele CA353106300.
Genomic context (GRCh38, chr3:52,405,279, plus strand): 5'-ACCACTAGCTTGGGTTTGTTGGGAGGGCTGTGGGATGGGGCTTGTGCGCATGAACCAGCC[G>A]CCTCCTCTGCACCATCTGAGACAGGGCAAGAACACAGGCAGGACCTCCAGTAGGATCTCC-3'
Protein context (NP_004647.1, residues 306-326): EGNHTDGAEE[Ala316Val]AGSCAQAPSH